The following is an entry in ClinVar:

ClinVar aggregate classification (germline): Uncertain significance. Review status: criteria provided, multiple submitters, no conflicts (2 of 4 stars). 2 submissions from 2 submitters: Uncertain significance (2). Last evaluated 2025-10-07.

Conditions:
GFI1B-related disorder. Also called: GFI1B-related condition.

gnomAD v4.1: 63 of 1,613,162 alleles (0.0039%); highest among the groups gnomAD compares: Non-Finnish European, 0.0051%; no homozygotes.

Submissions (2):

PreventionGenetics, part of Exact Sciences
Classification: Uncertain significance for GFI1B-related condition. Last evaluated: 2025-10-07. Review status: criteria provided, single submitter. Criteria: ACMG Guidelines, 2015. Collection method: clinical testing. Allele origin: germline.
Comment: The GFI1B c.509A>T variant is predicted to result in the amino acid substitution p.Lys170Met. To our knowledge, this variant has not been reported in the literature. This variant is reported in 0.0048% of alleles in individuals of European (Finnish) descent in gnomAD. At this time, the clinical significance of this variant is uncertain due to the absence of conclusive functional and genetic evidence.

Blueprint Genetics
Classification: Uncertain significance. Last evaluated: 2023-10-30. Review status: criteria provided, single submitter. Criteria: ACMG Guidelines, 2015. Collection method: clinical testing. Allele origin: germline.

NM_001377304.1(GFI1B):c.509A>T (p.Lys170Met)

Gene: GFI1B (growth factor independent 1B transcriptional repressor; plus strand). Cytogenetic location: 9q34.13.
Variant type: single nucleotide variant.
Coding change: c.509A>T on transcript NM_001377304.1 (MANE Select); coding-DNA position 509, A replaced by T.
Protein change: p.Lys170Met; replaces lysine 170 with methionine.
Molecular consequence: missense variant.
Genome position (GRCh38, 1-based): chr9:132,988,467, A>T. VCF-style: chr9-132988467-A-T. GRCh37 (hg19) VCF-style: chr9-135863854-A-T.
Other names: c.509A>T, p.Lys170Met (NM_001135031.2, NM_001371908.1, NM_001377305.1 and 1 more transcripts); c.509A>T (NM_004188.6); short protein forms K170M.
Identifiers: ClinVar variation 4905192 (VCV004905192.2).